The following is an entry in ClinVar:

NM_004380.3(CREBBP):c.591A>G (p.Leu197=)

Gene: CREBBP (CREB binding lysine acetyltransferase; minus strand). Cytogenetic location: 16p13.3.
Variant type: single nucleotide variant.
Coding change: c.591A>G on transcript NM_004380.3 (MANE Select); coding-DNA position 591, A replaced by G.
Protein change: p.Leu197=; no amino-acid change (leucine 197 retained).
Molecular consequence: synonymous variant.
Genome position (GRCh38, 1-based): chr16:3,850,504, T>C on the plus strand (A>G on the coding strand, the complement: CREBBP is on the minus strand). VCF-style: chr16-3850504-T-C. GRCh37 (hg19) VCF-style: chr16-3900505-T-C.
Other names: c.591A>G, p.Leu197= (NM_001079846.1).
Identifiers: ClinVar variation 4989341 (VCV004989341.1).

ClinVar aggregate classification (germline): Likely benign (1 of 4 stars; one submission).

Conditions:
CREBBP-related disorder. Also called: CREBBP-related disorders; CREBBP-related condition.

gnomAD v4.1: 3 of 1,614,254 alleles (0.00019%); highest among the groups gnomAD compares: Admixed American, 0.0033%; no homozygotes.

Submission:

PreventionGenetics, part of Exact Sciences
Classification: Likely benign for CREBBP-related condition. Last evaluated: 2025-07-13. Review status: criteria provided, single submitter. Criteria: ACMG Guidelines, 2015. Collection method: clinical testing. Allele origin: germline.
Comment: This variant is classified as likely benign based on ACMG/AMP sequence variant interpretation guidelines (Richards et al. 2015 PMID: 25741868, with internal and published modifications).